The following is an entry in ClinVar:

NM_001135649.3(FOXI3):c.222_247del (p.Tyr75fs)

Gene: FOXI3 (forkhead box I3; minus strand). Cytogenetic location: 2p11.2.
Variant type: Deletion.
Coding change: c.222_247del on transcript NM_001135649.3 (MANE Select); coding-DNA positions 222 to 247, 26 bases deleted (GTACCTGGGCGCTCCGCCGCCGCCGC).
Protein change: p.Tyr75fs; shifts the reading frame from tyrosine 75.
Molecular consequence: frameshift variant.
Genome position (GRCh38, 1-based): chr2:88,452,289-88,452,314, GCGGCGGCGGCGGAGCGCCCAGGTAC deleted on the plus strand (GTACCTGGGCGCTCCGCCGCCGCCGC on the coding strand, the reverse complement: FOXI3 is on the minus strand); deleting any 26 consecutive bases within chr2:88,452,289-88,452,325 gives the same sequence; the c. name uses the placement nearest the transcript's 3' end. VCF-style (leftmost placement, unchanged base first): chr2-88452288-GGCGGCGGCGGCGGAGCGCCCAGGTAC-G. GRCh37 (hg19) VCF-style: chr2-88751806-GGCGGCGGCGGCGGAGCGCCCAGGTAC-G.
Other names: c.222_247del26 (NM_001135649.1); short protein forms Y75fs.
Identifiers: ClinVar variation 2011446 (VCV002011446.5), dbSNP rs2528917388, ClinGen allele CA2580068342.

ClinVar aggregate classification (germline): Uncertain significance. Review status: criteria provided, multiple submitters, no conflicts (2 of 4 stars). 2 submissions from 2 submitters: Uncertain significance (2). Last evaluated 2026-03-26.

Conditions:
Inborn genetic diseases. Identifiers: MedGen C0950123, MeSH D030342.

Submissions (2):

Ambry Genetics
Classification: Uncertain significance for Inborn genetic diseases. Last evaluated: 2026-03-26. Review status: criteria provided, single submitter. Criteria: Ambry Variant Classification Scheme 2023. Collection method: clinical testing. Allele origin: germline.
Comment: The c.222_247del26 (p.Y75Afs*95) alteration, located in exon 1 (coding exon 1) of the FOXI3 gene, consists of a deletion of 26 nucleotides from position 222 to 247, causing a translational frameshift with a predicted alternate stop codon after 95 amino acids. This variant is expected to result in premature protein truncation or nonsense-mediated mRNA decay. However, loss of function of FOXI3 has not been established as a mechanism of disease. The Genome Aggregation Database (gnomAD) data for this variant is unreliable due to technical and/or biological issues; therefore, population frequency estimates were not considered. Based on insufficient or conflicting evidence, the clinical significance of this alteration remains unclear.

Labcorp Genetics (formerly Invitae), Labcorp
Classification: Uncertain significance. Last evaluated: 2022-10-27. Review status: criteria provided, single submitter. Criteria: Invitae Variant Classification Sherloc (09022015). Collection method: clinical testing. Allele origin: germline.
Comment: This sequence change creates a premature translational stop signal (p.Tyr75Alafs*95) in the FOXI3 gene. It is expected to result in an absent or disrupted protein product. However, the current clinical and genetic evidence is not sufficient to establish whether loss-of-function variants in FOXI3 cause disease. The frequency data for this variant in the population databases is considered unreliable, as metrics indicate insufficient coverage at this position in the gnomAD database. This variant has not been reported in the literature in individuals affected with FOXI3-related conditions. In summary, the available evidence is currently insufficient to determine the role of this variant in disease. Therefore, it has been classified as a Variant of Uncertain Significance.